The following is an entry in ClinVar:

NM_001365276.2(TNXB):c.7395C>T (p.Thr2465=)

Gene: TNXB (tenascin XB; minus strand). Cytogenetic location: 6p21.33.
Variant type: single nucleotide variant.
Coding change: c.7395C>T on transcript NM_001365276.2 (MANE Select); coding-DNA position 7395, C replaced by T.
Protein change: p.Thr2465=; no amino-acid change (threonine 2465 retained).
Molecular consequence: synonymous variant.
Genome position (GRCh38, 1-based): chr6:32,061,494, G>A on the plus strand (C>T on the coding strand, the complement: TNXB is on the minus strand). VCF-style: chr6-32061494-G-A. GRCh37 (hg19) VCF-style: chr6-32029271-G-A.
Other names: p.Thr2465=; c.7395C>T, p.Thr2465= (NM_019105.8).
Identifiers: ClinVar variation 1758678 (VCV001758678.30), dbSNP rs759303131, ClinGen allele CA3734168.
Genomic context (GRCh38, chr6:32,061,494, plus strand): 5'-CCCCTCGTGGAGGCCATACAGGTGCATCTTGTATTTGCGCCCAGGCTCCAGGCCCCCCAC[G>A]GTGACCTCGCTCTCCTCGCCCCCAACACGCACCACCTGGGGCCGCCCGTCCCTGTCCTTG-3'
Protein context (NP_001352205.1, residues 2455-2475): VRVGGEESEV[Thr2465=]VGGLEPGRKY

ClinVar aggregate classification (germline): Benign/Likely benign. Review status: criteria provided, multiple submitters, no conflicts (2 of 4 stars). 7 submissions from 7 submitters: Benign (1); Likely benign (5). 1 of the submissions does not count toward it. Last evaluated 2026-02-01.

Conditions:
Cardiovascular phenotype. Identifiers: MedGen CN230736.
TNXB-related disorder. Also called: TNXB-related condition.

Allele frequency attached by ClinVar (database versions not stated): ExAC 0.00008.

Submissions (7):

Labcorp Genetics (formerly Invitae), Labcorp
Classification: Likely benign. Last evaluated: 2026-02-01. Review status: criteria provided, single submitter. Criteria: Invitae Variant Classification Sherloc (09022015). Collection method: clinical testing. Allele origin: germline.

Women's Health and Genetics/Laboratory Corporation of America, LabCorp
Classification: Likely benign. Last evaluated: 2025-05-07. Review status: criteria provided, single submitter. Criteria: LabCorp Variant Classification Summary - May 2015. Collection method: clinical testing. Allele origin: germline.

Blueprint Genetics
Classification: Likely benign. Last evaluated: 2024-11-25. Review status: criteria provided, single submitter. Criteria: ACMG Guidelines, 2015. Collection method: clinical testing. Allele origin: germline.

Mayo Clinic Laboratories, Mayo Clinic
Classification: Benign. Last evaluated: 2023-04-26. Review status: criteria provided, single submitter. Criteria: ACMG Guidelines, 2015. Collection method: clinical testing. Allele origin: germline. Observed: 8 variant alleles.
Comment: BS1, BS2, BP4, BP7

CeGaT Center for Human Genetics Tuebingen
Classification: Likely benign. Last evaluated: 2023-01-01. Review status: criteria provided, single submitter. Criteria: CeGaT Center For Human Genetics Tuebingen Variant Classification Criteria Version 2. Collection method: clinical testing. Allele origin: germline. Affected: yes. Observed: 1 variant allele.
Comment: TNXB: BP4, BP7

Ambry Genetics
Classification: Likely benign for Cardiovascular phenotype. Last evaluated: 2022-02-14. Review status: criteria provided, single submitter. Criteria: Ambry Variant Classification Scheme 2023. Collection method: clinical testing. Allele origin: germline.

PreventionGenetics, part of Exact Sciences
Classification: Benign for TNXB-related condition. Last evaluated: 2022-04-29. Review status: no assertion criteria provided. Collection method: clinical testing. Allele origin: germline. Not counted in ClinVar's aggregate classification.
Comment: This variant is classified as benign based on ACMG/AMP sequence variant interpretation guidelines (Richards et al. 2015 PMID: 25741868, with internal and published modifications).